The following is an entry in ClinVar:

ClinVar aggregate classification (germline): Uncertain significance. Review status: criteria provided, multiple submitters, no conflicts (2 of 4 stars). 3 submissions from 3 submitters: Uncertain significance (3). Last evaluated 2023-12-05.

Conditions:
Hereditary cancer-predisposing syndrome. Also called: Tumor predisposition; Neoplastic Syndromes, Hereditary; Hereditary Cancer Syndrome; Hereditary neoplastic syndrome. Identifiers: Orphanet 140162, MedGen C0027672, MeSH D009386, MONDO:0015356.
Ataxia-telangiectasia syndrome (AT). Also called: Ataxia-telangiectasia; Ataxia-telangiectasia, complementation group D; AT, COMPLEMENTATION GROUP C; LOUIS-BAR SYNDROME; Cerebello-oculocutaneous telangiectasia; Immunodeficiency with ataxia telangiectasia. Identifiers: Orphanet 100, MedGen C0004135, MONDO:0008840, OMIM 208900.

Allele frequency attached by ClinVar (database versions not stated): gnomAD exomes below 0.00001; TOPMed below 0.00001; gnomAD 0.00001.
gnomAD v4.1: 2 of 1,613,810 alleles (0.00012%); highest among the groups gnomAD compares: Non-Finnish European, 0.00017%; no homozygotes.

Submissions (3):

Color Diagnostics, LLC DBA Color Health
Classification: Uncertain significance for Hereditary cancer-predisposing syndrome. Last evaluated: 2023-12-05. Review status: criteria provided, single submitter. Criteria: ACMG Guidelines, 2015. Collection method: clinical testing. Allele origin: germline.
Comment: This missense variant replaces leucine with valine at codon 1617 of the ATM protein. Computational prediction suggests that this variant may not impact protein structure and function (internally defined REVEL score threshold <= 0.5, PMID: 27666373). To our knowledge, functional studies have not been reported for this variant. This variant has not been reported in individuals affected with ATM-related disorders in the literature. This variant has not been identified in the general population by the Genome Aggregation Database (gnomAD). The available evidence is insufficient to determine the role of this variant in disease conclusively. Therefore, this variant is classified as a Variant of Uncertain Significance.

Ambry Genetics
Classification: Uncertain significance for Hereditary cancer-predisposing syndrome. Last evaluated: 2023-06-02. Review status: criteria provided, single submitter. Criteria: Ambry Variant Classification Scheme 2023. Collection method: clinical testing. Allele origin: germline.
Comment: The p.L1617V variant (also known as c.4849C>G), located in coding exon 31 of the ATM gene, results from a C to G substitution at nucleotide position 4849. The leucine at codon 1617 is replaced by valine, an amino acid with highly similar properties. This amino acid position is highly conserved in available vertebrate species. In addition, this alteration is predicted to be tolerated by in silico analysis. Since supporting evidence is limited at this time, the clinical significance of this alteration remains unclear.

Labcorp Genetics (formerly Invitae), Labcorp
Classification: Uncertain significance for Ataxia-telangiectasia syndrome. Last evaluated: 2022-11-23. Review status: criteria provided, single submitter. Criteria: Invitae Variant Classification Sherloc (09022015). Collection method: clinical testing. Allele origin: germline.
Comment: In summary, the available evidence is currently insufficient to determine the role of this variant in disease. Therefore, it has been classified as a Variant of Uncertain Significance. Algorithms developed to predict the effect of missense changes on protein structure and function are either unavailable or do not agree on the potential impact of this missense change (SIFT: "Deleterious"; PolyPhen-2: "Benign"; Align-GVGD: "Class C25"). ClinVar contains an entry for this variant (Variation ID: 490585). This variant has not been reported in the literature in individuals affected with ATM-related conditions. This variant is not present in population databases (gnomAD no frequency). This sequence change replaces leucine, which is neutral and non-polar, with valine, which is neutral and non-polar, at codon 1617 of the ATM protein (p.Leu1617Val).

NM_000051.4(ATM):c.4849C>G (p.Leu1617Val)

Gene: ATM (ATM serine/threonine kinase; plus strand). Cytogenetic location: 11q22.3.
Variant type: single nucleotide variant.
Coding change: c.4849C>G on transcript NM_000051.4 (MANE Select); coding-DNA position 4849, C replaced by G.
Protein change: p.Leu1617Val; replaces leucine 1617 with valine.
Molecular consequence: missense variant.
Genome position (GRCh38, 1-based): chr11:108,294,999, C>G. VCF-style: chr11-108294999-C-G. GRCh37 (hg19) VCF-style: chr11-108165726-C-G.
Other names: c.4849C>G, p.Leu1617Val (NM_001351834.2); short protein forms L1617V.
Identifiers: ClinVar variation 490585 (VCV000490585.17), dbSNP rs1006483748, ClinGen allele CA228380737.